The following is an entry in ClinVar:

ClinVar aggregate classification (germline): Uncertain significance. Review status: criteria provided, multiple submitters, no conflicts (2 of 4 stars). 2 submissions from 2 submitters: Uncertain significance (2). Last evaluated 2024-05-27.

Conditions:
Fanconi anemia complementation group E (FANCE). Also called: FANCE-Related Fanconi Anemia. Identifiers: Orphanet 84, MedGen C3160739, MONDO:0010953, OMIM 600901.

Allele frequency attached by ClinVar (database versions not stated): gnomAD exomes below 0.00001.

Submissions (2):

Fulgent Genetics
Classification: Uncertain significance for Fanconi anemia complementation group E. Last evaluated: 2024-05-27. Review status: criteria provided, single submitter. Criteria: ACMG Guidelines, 2015. Collection method: clinical testing. Allele origin: germline.

Labcorp Genetics (formerly Invitae), Labcorp
Classification: Uncertain significance for Fanconi anemia complementation group E. Last evaluated: 2021-12-23. Review status: criteria provided, single submitter. Criteria: Invitae Variant Classification Sherloc (09022015). Collection method: clinical testing. Allele origin: germline.
Comment: This sequence change replaces aspartic acid, which is acidic and polar, with glycine, which is neutral and non-polar, at codon 124 of the FANCE protein (p.Asp124Gly). This variant is present in population databases (no rsID available, gnomAD 0.006%). This variant has not been reported in the literature in individuals affected with FANCE-related conditions. Algorithms developed to predict the effect of missense changes on protein structure and function (SIFT, PolyPhen-2, Align-GVGD) all suggest that this variant is likely to be tolerated. In summary, the available evidence is currently insufficient to determine the role of this variant in disease. Therefore, it has been classified as a Variant of Uncertain Significance.

NM_021922.3(FANCE):c.371A>G (p.Asp124Gly)

Gene: FANCE (FA complementation group E; plus strand). Cytogenetic location: 6p21.31.
Variant type: single nucleotide variant.
Coding change: c.371A>G on transcript NM_021922.3 (MANE Select); coding-DNA position 371, A replaced by G.
Protein change: p.Asp124Gly; replaces aspartic acid 124 with glycine.
Molecular consequence: missense variant.
Genome position (GRCh38, 1-based): chr6:35,455,869, A>G. VCF-style: chr6-35455869-A-G. GRCh37 (hg19) VCF-style: chr6-35423646-A-G.
Other names: c.371A>G, p.Asp124Gly (NM_001410876.1); short protein forms D124G.
Identifiers: ClinVar variation 2202198 (VCV002202198.2), dbSNP rs1236985875, ClinGen allele CA363772777.